The following is an entry in ClinVar:

ClinVar aggregate classification (germline): Uncertain significance (1 of 4 stars; one submission).

Conditions:
Cryptosporidiosis-chronic cholangitis-liver disease syndrome. Also called: Immunodeficiency type 56; IL21R immunodeficiency. Identifiers: Orphanet 357329, MedGen C3554687, MONDO:0014082, OMIM 615207.

Submission:

Labcorp Genetics (formerly Invitae), Labcorp
Classification: Uncertain significance for Cryptosporidiosis-chronic cholangitis-liver disease syndrome. Last evaluated: 2025-07-21. Review status: criteria provided, single submitter. Criteria: Invitae Variant Classification Sherloc (09022015). Collection method: clinical testing. Allele origin: germline.
Comment: This sequence change replaces proline, which is neutral and non-polar, with leucine, which is neutral and non-polar, at codon 204 of the IL21R protein (p.Pro204Leu). This variant is not present in population databases (gnomAD no frequency). This variant has not been reported in the literature in individuals affected with IL21R-related conditions. ClinVar contains an entry for this variant (Variation ID: 1490246). Invitae Evidence Modeling of protein sequence and biophysical properties (such as structural, functional, and spatial information, amino acid conservation, physicochemical variation, residue mobility, and thermodynamic stability) indicates that this missense variant is expected to disrupt IL21R protein function with a positive predictive value of 80%. In summary, the available evidence is currently insufficient to determine the role of this variant in disease. Therefore, it has been classified as a Variant of Uncertain Significance.

NM_181078.3(IL21R):c.611C>T (p.Pro204Leu)

Gene: IL21R (interleukin 21 receptor; plus strand). Cytogenetic location: 16p12.1.
Variant type: single nucleotide variant.
Coding change: c.611C>T on transcript NM_181078.3 (MANE Select); coding-DNA position 611, C replaced by T.
Protein change: p.Pro204Leu; replaces proline 204 with leucine.
Molecular consequence: missense variant.
Genome position (GRCh38, 1-based): chr16:27,444,645, C>T. VCF-style: chr16-27444645-C-T. GRCh37 (hg19) VCF-style: chr16-27455966-C-T.
Other names: c.611C>T, p.Pro204Leu (NM_021798.4); c.677C>T, p.Pro226Leu (NM_181079.5); short protein forms P204L, P226L.
Identifiers: ClinVar variation 1490246 (VCV001490246.8), dbSNP rs1240233597, ClinGen allele CA395303743.
Genomic context (GRCh38, chr16:27,444,645, plus strand): 5'-CCCTCCTCCCCCTGGAGTTCCGCAAAGACTCGAGCTATGAGCTGCAGGTGCGGGCAGGGC[C>T]CATGCCTGGCTCCTCCTACCAGGGGACCTGGAGTGAATGGAGTGACCCGGTCATCTTTCA-3'
Protein context (NP_851564.1, residues 194-214): SSYELQVRAG[Pro204Leu]MPGSSYQGTW